The following is an entry in ClinVar:

NM_201384.3(PLEC):c.2478C>T (p.Asp826=)

Gene: PLEC (plectin; minus strand). Cytogenetic location: 8q24.3.
Variant type: single nucleotide variant.
Coding change: c.2478C>T on transcript NM_201384.3 (MANE Select); coding-DNA position 2478, C replaced by T.
Protein change: p.Asp826=; no amino-acid change (aspartic acid 826 retained).
Molecular consequence: synonymous variant.
Genome position (GRCh38, 1-based): chr8:143,930,278, G>A on the plus strand (C>T on the coding strand, the complement: PLEC is on the minus strand). VCF-style: chr8-143930278-G-A. GRCh37 (hg19) VCF-style: chr8-145004446-G-A.
Other names: c.2559C>T, p.Asp853= (NM_000445.5); c.2436C>T, p.Asp812= (NM_201378.4); c.2412C>T, p.Asp804= (NM_201379.3); c.2889C>T, p.Asp963= (NM_201380.4); c.2382C>T, p.Asp794= (NM_201381.3); c.2478C>T, p.Asp826= (NM_201382.4); c.2490C>T, p.Asp830= (NM_201383.3).
Identifiers: ClinVar variation 167514 (VCV000167514.63), dbSNP rs202135215, ClinGen allele CA234688.

ClinVar aggregate classification (germline): Conflicting classifications of pathogenicity. Review status: criteria provided, conflicting classifications (1 of 4 stars). 9 submissions from 9 submitters: Uncertain significance (1); Benign (1); Likely benign (7). Last evaluated 2026-09-01.

Conditions:
PLEC-related disorder. Also called: PLEC-related condition; PLEC-related disorders.
Epidermolysis bullosa simplex 5B, with muscular dystrophy (EBS5B). Also called: Epidermolysis bullosa simplex with muscular dystrophy; EPIDERMOLYSIS BULLOSA SIMPLEX AND LIMB-GIRDLE MUSCULAR DYSTROPHY. Identifiers: Orphanet 257, MedGen C2931072, MONDO:0009181, OMIM 226670.
Epidermolysis bullosa simplex with nail dystrophy (EBS5D). Identifiers: MedGen C4225309, MONDO:0014661, OMIM 616487.
Autosomal recessive limb-girdle muscular dystrophy type 2Q (LGMDR17). Also called: MUSCULAR DYSTROPHY, LIMB-GIRDLE, AUTOSOMAL RECESSIVE 17. Identifiers: Orphanet 254361, MedGen C3150989, MONDO:0013390, OMIM 613723.
Epidermolysis bullosa simplex 5C, with pyloric atresia (EBS5C). Also called: PLEC-Related Epidermolysis Bullosa with Pyloric Atresia; PLEC1-Related Epidermolysis Bullosa with Pyloric Atresia; Epidermolysis bullosa simplex with pyloric atresia. Identifiers: Orphanet 158684, MedGen C2677349, MONDO:0012807, OMIM 612138.
Epidermolysis bullosa simplex, Ogna type (EBS5A). Also called: Pidermolysis bullosa simplex 5A, Ogna type; EPIDERMOLYSIS BULLOSA SIMPLEX 5A, OGNA TYPE. Identifiers: Orphanet 79401, MedGen C0432317, MONDO:0007555, OMIM 131950.

Allele frequency attached by ClinVar (database versions not stated): 1000 Genomes Project 0.00040; 1000 Genomes Project 30x 0.00047; ESP Exome Variant Server 0.00047; gnomAD 0.00080; TOPMed 0.00083.
gnomAD v4.1: 2,281 of 1,603,110 alleles (0.14%); highest among the groups gnomAD compares: Middle Eastern, 0.25%; 3 homozygotes.

Submissions (9):

CeGaT Center for Human Genetics Tuebingen
Classification: Likely benign. Last evaluated: 2026-09-01. Review status: criteria provided, single submitter. Criteria: CeGaT Center For Human Genetics Tuebingen Variant Classification Criteria Version 2. Collection method: clinical testing. Allele origin: germline. Affected: yes. Observed: 15 variant alleles.
Comment: PLEC: BP4, BP7

Labcorp Genetics (formerly Invitae), Labcorp
Classification: Likely benign for Autosomal recessive limb-girdle muscular dystrophy type 2Q; Epidermolysis bullosa simplex, Ogna type; Epidermolysis bullosa simplex with nail dystrophy; Epidermolysis bullosa simplex 5C, with pyloric atresia; Epidermolysis bullosa simplex 5B, with muscular dystrophy. Last evaluated: 2026-02-01. Review status: criteria provided, single submitter. Criteria: Invitae Variant Classification Sherloc (09022015). Collection method: clinical testing. Allele origin: germline.

PreventionGenetics, part of Exact Sciences
Classification: Likely benign for PLEC-related condition. Last evaluated: 2025-12-11. Review status: criteria provided, single submitter. Criteria: ACMG Guidelines, 2015. Collection method: clinical testing. Allele origin: germline.
Comment: This variant is classified as likely benign based on ACMG/AMP sequence variant interpretation guidelines (Richards et al. 2015 PMID: 25741868, with internal and published modifications).

Women's Health and Genetics/Laboratory Corporation of America, LabCorp
Classification: Likely benign. Last evaluated: 2025-06-04. Review status: criteria provided, single submitter. Criteria: LabCorp Variant Classification Summary - May 2015. Collection method: clinical testing. Allele origin: germline.

Blueprint Genetics
Classification: Likely benign. Last evaluated: 2024-10-17. Review status: criteria provided, single submitter. Criteria: ACMG Guidelines, 2015. Collection method: clinical testing. Allele origin: germline.

Revvity Omics, Revvity
Classification: Likely benign. Last evaluated: 2023-05-05. Review status: criteria provided, single submitter. Criteria: ACMG Guidelines, 2015. Collection method: clinical testing. Allele origin: germline.

GeneDx
Classification: Likely benign. Last evaluated: 2020-01-30. Review status: criteria provided, single submitter. Criteria: GeneDx Variant Classification Process June 2021. Collection method: clinical testing. Allele origin: germline. Affected: yes.

Athena Diagnostics
Classification: Benign. Last evaluated: 2018-12-27. Review status: criteria provided, single submitter. Criteria: Athena Diagnostics Criteria. Collection method: clinical testing. Allele origin: germline.

Eurofins Ntd Llc (ga)
Classification: Uncertain significance. Last evaluated: 2015-09-11. Review status: criteria provided, single submitter. Criteria: EGL Classification Definitions 2015. Collection method: clinical testing. Allele origin: germline. Observed: 2 variant alleles, 2 heterozygotes.